The following is an entry in ClinVar:

NM_014641.3(MDC1):c.2565G>A (p.Gly855=)

Genes: MDC1 (mediator of DNA damage checkpoint 1; minus strand), MDC1-AS1 (MDC1 antisense RNA 1; plus strand). Cytogenetic location: 6p21.33.
Variant type: single nucleotide variant.
Coding change: c.2565G>A on transcript NM_014641.3 (MANE Select); coding-DNA position 2565, G replaced by A.
Protein change: p.Gly855=; no amino-acid change (glycine 855 retained).
Molecular consequence: synonymous variant.
Genome position (GRCh38, 1-based): chr6:30,708,014, C>T on the plus strand (G>A on the coding strand, the complement: MDC1 is on the minus strand). VCF-style: chr6-30708014-C-T. GRCh37 (hg19) VCF-style: chr6-30675791-C-T.
Identifiers: ClinVar variation 4873355 (VCV004873355.2).
Genomic context (GRCh38, chr6:30,708,014, plus strand): 5'-GTCAGATTCTTGTCTCTGGGTGTCTCTAGCTAACAACTGTTTTTGTTCTCTGTCCTGTTT[C>T]CCCTTGGTTAATTCTTCCTCTCCTGTCACATCTGTCTGTCTTTCTGGTAGCAGTTTCTCA-3'
Protein context (NP_055456.2, residues 845-865): DVTGEEELTK[Gly855=]KQDREQKQLL

ClinVar aggregate classification (germline): Likely benign (1 of 4 stars; one submission).

gnomAD v4.1: 269 of 1,613,054 alleles (0.017%); highest among the groups gnomAD compares: East Asian, 0.089%; 8 homozygotes.

Submission:

CeGaT Center for Human Genetics Tuebingen
Classification: Likely benign. Last evaluated: 2026-06-01. Review status: criteria provided, single submitter. Criteria: CeGaT Center For Human Genetics Tuebingen Variant Classification Criteria Version 2. Collection method: clinical testing. Allele origin: germline. Affected: yes. Observed: 1 variant allele.
Comment: MDC1: BP4, BP7